The following is an entry in ClinVar:

NM_001283009.2(RTEL1):c.2638C>G (p.Leu880Val)

Genes: RTEL1 (regulator of telomere elongation helicase 1; plus strand), RTEL1-TNFRSF6B (RTEL1-TNFRSF6B readthrough (NMD candidate); plus strand). Cytogenetic location: 20q13.33.
Variant type: single nucleotide variant.
Coding change: c.2638C>G on transcript NM_001283009.2 (MANE Select); coding-DNA position 2638, C replaced by G.
Protein change: p.Leu880Val; replaces leucine 880 with valine.
Molecular consequence: missense variant. On other transcripts: non-coding transcript variant (1).
Genome position (GRCh38, 1-based): chr20:63,691,823, C>G. VCF-style: chr20-63691823-C-G. GRCh37 (hg19) VCF-style: chr20-62323176-C-G.
Other names: c.1969C>G, p.Leu657Val (NM_001283010.1); c.2638C>G, p.Leu880Val (NM_016434.4); c.2710C>G, p.Leu904Val (NM_032957.5); short protein forms L904V, L880V, L657V.
Identifiers: ClinVar variation 540929 (VCV000540929.9), dbSNP rs376204071, ClinGen allele CA9965442.

ClinVar aggregate classification (germline): Uncertain significance. Review status: criteria provided, multiple submitters, no conflicts (2 of 4 stars). 3 submissions from 3 submitters: Uncertain significance (2). 1 of the submissions does not count toward it. Last evaluated 2024-10-10.

Conditions:
Pulmonary fibrosis and/or bone marrow failure, Telomere-related, 3. Also called: PULMONARY FIBROSIS AND/OR BONE MARROW FAILURE SYNDROME, TELOMERE-RELATED, 3. Identifiers: Orphanet 2032, MedGen C4225346, MONDO:0014613, OMIM 616373.
Dyskeratosis congenita, autosomal recessive 5 (DKCB5). Identifiers: MedGen C3554656, MONDO:0014076, OMIM 615190.
Dyskeratosis congenita. Identifiers: Orphanet 1775, MedGen C0265965, MONDO:0015780.
RTEL1-related disorder. Also called: RTEL1-related disorders; RTEL1-related condition.

Allele frequency attached by ClinVar (database versions not stated): gnomAD 0.00002; TOPMed 0.00002; ExAC 0.00004; gnomAD exomes 0.00005; ESP Exome Variant Server 0.00008.
gnomAD v4.1: 111 of 1,611,092 alleles (0.0069%); highest among the groups gnomAD compares: Non-Finnish European, 0.0086%; no homozygotes.

Submissions (3):

Labcorp Genetics (formerly Invitae), Labcorp
Classification: Uncertain significance for Dyskeratosis congenita, autosomal recessive 5; Pulmonary fibrosis and/or bone marrow failure, Telomere-related, 3. Last evaluated: 2024-10-10. Review status: criteria provided, single submitter. Criteria: Invitae Variant Classification Sherloc (09022015). Collection method: clinical testing. Allele origin: germline.
Comment: This sequence change replaces leucine, which is neutral and non-polar, with valine, which is neutral and non-polar, at codon 880 of the RTEL1 protein (p.Leu880Val). This variant is present in population databases (rs376204071, gnomAD 0.01%). This variant has not been reported in the literature in individuals affected with RTEL1-related conditions. This variant is also known as c.2710C>G. ClinVar contains an entry for this variant (Variation ID: 540929). An algorithm developed to predict the effect of missense changes on protein structure and function outputs the following: PolyPhen-2: "Benign". The valine amino acid residue is found in multiple mammalian species, which suggests that this missense change does not adversely affect protein function. In summary, the available evidence is currently insufficient to determine the role of this variant in disease. Therefore, it has been classified as a Variant of Uncertain Significance.

PreventionGenetics, part of Exact Sciences
Classification: Uncertain significance for RTEL1-related condition. Last evaluated: 2023-01-10. Review status: criteria provided, single submitter. Criteria: ACMG Guidelines, 2015. Collection method: clinical testing. Allele origin: germline.
Comment: The RTEL1 c.2710C>G variant is predicted to result in the amino acid substitution p.Leu904Val. To our knowledge, this variant has not been reported in the literature. This variant is reported in 0.0099% of alleles in individuals of European (Non-Finnish) descent in gnomAD. At this time, the clinical significance of this variant is uncertain due to the absence of conclusive functional and genetic evidence.

Natera, Inc.
Classification: Uncertain significance for Dyskeratosis congenita. Last evaluated: 2019-11-11. Review status: no assertion criteria provided. Collection method: clinical testing. Allele origin: germline. Not counted in ClinVar's aggregate classification.